The following is an entry in ClinVar:

NM_024496.4(IRF2BPL):c.1080C>T (p.Ser360=)

Gene: IRF2BPL (interferon regulatory factor 2 binding protein like; minus strand). Cytogenetic location: 14q24.3.
Variant type: single nucleotide variant.
Coding change: c.1080C>T on transcript NM_024496.4 (MANE Select); coding-DNA position 1080, C replaced by T.
Protein change: p.Ser360=; no amino-acid change (serine 360 retained).
Molecular consequence: synonymous variant.
Genome position (GRCh38, 1-based): chr14:77,026,713, G>A on the plus strand (C>T on the coding strand, the complement: IRF2BPL is on the minus strand). VCF-style: chr14-77026713-G-A. GRCh37 (hg19) VCF-style: chr14-77493056-G-A.
Identifiers: ClinVar variation 4873387 (VCV004873387.2).
Genomic context (GRCh38, chr14:77,026,713, plus strand): 5'-GAGCAGCGTGTCGCGGACCATCTTGGGCTTGCTGGCCCACTCCTCGGCGCGGTTGCGCAG[G>A]CTCTCGCTCAGCTCGGCCAGGGCCTCGGCGTTGCGCTGCTTCTCCTTCAACTCGCGCTCC-3'
Protein context (NP_078772.1, residues 350-370): NAEALAELSE[Ser360=]LRNRAEEWAS

ClinVar aggregate classification (germline): Likely benign (1 of 4 stars; one submission).

Submission:

CeGaT Center for Human Genetics Tuebingen
Classification: Likely benign. Last evaluated: 2026-04-01. Review status: criteria provided, single submitter. Criteria: CeGaT Center For Human Genetics Tuebingen Variant Classification Criteria Version 2. Collection method: clinical testing. Allele origin: germline. Affected: yes. Observed: 1 variant allele.
Comment: IRF2BPL: BP4, BP7